The following is an entry in ClinVar:

ClinVar aggregate classification (germline): Uncertain significance. Review status: criteria provided, multiple submitters, no conflicts (2 of 4 stars). 2 submissions from 2 submitters: Uncertain significance (2). Last evaluated 2023-09-03.

Conditions:
Hereditary cancer-predisposing syndrome. Also called: Tumor predisposition; Hereditary Cancer Syndrome; Hereditary neoplastic syndrome; Neoplastic Syndromes, Hereditary. Identifiers: Orphanet 140162, MedGen C0027672, MeSH D009386, MONDO:0015356.
Birt-Hogg-Dube syndrome. Also called: Birt Hogg Dubé syndrome. Identifiers: Orphanet 122, MedGen C0346010, MONDO:0800444.

Submissions (2):

Labcorp Genetics (formerly Invitae), Labcorp
Classification: Uncertain significance for Birt-Hogg-Dube syndrome. Last evaluated: 2023-09-03. Review status: criteria provided, single submitter. Criteria: Invitae Variant Classification Sherloc (09022015). Collection method: clinical testing. Allele origin: germline.
Comment: In summary, the available evidence is currently insufficient to determine the role of this variant in disease. Therefore, it has been classified as a Variant of Uncertain Significance. Advanced modeling of protein sequence and biophysical properties (such as structural, functional, and spatial information, amino acid conservation, physicochemical variation, residue mobility, and thermodynamic stability) performed at Invitae indicates that this missense variant is not expected to disrupt FLCN protein function. ClinVar contains an entry for this variant (Variation ID: 233336). This variant has not been reported in the literature in individuals affected with FLCN-related conditions. This variant is not present in population databases (gnomAD no frequency). This sequence change replaces alanine, which is neutral and non-polar, with threonine, which is neutral and polar, at codon 444 of the FLCN protein (p.Ala444Thr).

Ambry Genetics
Classification: Uncertain significance for Hereditary cancer-predisposing syndrome. Last evaluated: 2016-08-24. Review status: criteria provided, single submitter. Criteria: Ambry Variant Classification Scheme 2023. Collection method: clinical testing. Allele origin: germline.
Comment: The p.A444T variant (also known as c.1330G>A), located in coding exon 9 of the FLCN gene, results from a G to A substitution at nucleotide position 1330. The alanine at codon 444 is replaced by threonine, an amino acid with similar properties. This variant was not reported in population based cohorts in the following databases: Database of Single Nucleotide Polymorphisms (dbSNP), NHLBI Exome Sequencing Project (ESP), and 1000 Genomes Project. In the ESP, this variant was not observed in 6503 samples (13006 alleles) with coverage at this position. To date, this alteration has been detected with an allele frequency of approximately 0.01% (greater than 20000 alleles tested) in our clinical cohort. This amino acid position is well conserved in available vertebrate species. In addition, the in silico prediction for this alteration is inconclusive. Since supporting evidence is limited at this time, the clinical significance of this alteration remains unclear.

NM_144997.7(FLCN):c.1330G>A (p.Ala444Thr)

Gene: FLCN (folliculin; minus strand). Cytogenetic location: 17p11.2.
Variant type: single nucleotide variant.
Coding change: c.1330G>A on transcript NM_144997.7 (MANE Select); coding-DNA position 1330, G replaced by A.
Protein change: p.Ala444Thr; replaces alanine 444 with threonine.
Molecular consequence: missense variant.
Genome position (GRCh38, 1-based): chr17:17,215,287, C>T on the plus strand (G>A on the coding strand, the complement: FLCN is on the minus strand). VCF-style: chr17-17215287-C-T. GRCh37 (hg19) VCF-style: chr17-17118601-C-T.
Other names: c.1330G>A (LRG_325t1); c.1384G>A, p.Ala462Thr (NM_001353229.2); c.1330G>A, p.Ala444Thr (NM_001353230.2, NM_001353231.2); short protein forms A444T, A462T.
Identifiers: ClinVar variation 233336 (VCV000233336.13), dbSNP rs876660342, ClinGen allele CA10580169.